The following is an entry in ClinVar:

ClinVar aggregate classification (germline): Conflicting classifications of pathogenicity. Review status: criteria provided, conflicting classifications (1 of 4 stars). 10 submissions from 10 submitters: Uncertain significance (6); Likely benign (2). 2 of the submissions do not count toward it. Last evaluated 2026-04-20.

Conditions:
Inherited breast cancer and ovarian cancer.
Hereditary cancer-predisposing syndrome. Also called: Hereditary neoplastic syndrome; Hereditary Cancer Syndrome; Neoplastic Syndromes, Hereditary; Tumor predisposition. Identifiers: Orphanet 140162, MedGen C0027672, MeSH D009386, MONDO:0015356.
Hereditary breast ovarian cancer syndrome. Also called: Hereditary breast and/or ovarian cancer syndrome; Hereditary breast and ovarian cancer syndrome; Hereditary breast and ovarian cancer; Hereditary breast and ovarian cancer syndrome (HBOC); Breast and ovarian cancer; BRCA1- and BRCA2-Associated Hereditary Breast and Ovarian Cancer. Identifiers: Orphanet 145, MedGen C0677776, MeSH D061325, MONDO:0003582. Disease mechanism: loss of function.
Breast-ovarian cancer, familial, susceptibility to, 2 (BROVCA2). Also called: BRCA2 Hereditary Breast and Ovarian Cancer. Identifiers: Orphanet 145, MedGen C2675520, MONDO:0012933, OMIM 612555. Disease mechanism: loss of function.

gnomAD v4.1: 2 of 1,587,954 alleles (0.00013%); highest among the groups gnomAD compares: Non-Finnish European, 0.00017%; no homozygotes.

Submissions (10):

Genomics and Molecular Medicine Service, East Genomic Laboratory Hub, NHS Genomic Medicine Service
Classification: Likely benign for Inherited breast cancer and ovarian cancer. Last evaluated: 2026-04-20. Review status: criteria provided, single submitter. Criteria: ACGS Best Practice Guidelines for Variant Classification in Rare Disease 2020. Collection method: clinical testing. Allele origin: germline. Affected: yes.
Comment: BP1_Strong,BP4

Labcorp Genetics (formerly Invitae), Labcorp
Classification: Uncertain significance for Hereditary breast ovarian cancer syndrome. Last evaluated: 2025-12-22. Review status: criteria provided, single submitter. Criteria: Invitae Variant Classification Sherloc (09022015). Collection method: clinical testing. Allele origin: germline.
Comment: This sequence change replaces proline, which is neutral and non-polar, with alanine, which is neutral and non-polar, at codon 877 of the BRCA2 protein (p.Pro877Ala). This variant is not present in population databases (gnomAD no frequency). This variant has not been reported in the literature in individuals affected with BRCA2-related conditions. ClinVar contains an entry for this variant (Variation ID: 125989). Invitae Evidence Modeling of protein sequence and biophysical properties (such as structural, functional, and spatial information, amino acid conservation, physicochemical variation, residue mobility, and thermodynamic stability) indicates that this missense variant is not expected to disrupt BRCA2 protein function with a negative predictive value of 95%. In summary, the available evidence is currently insufficient to determine the role of this variant in disease. Therefore, it has been classified as a Variant of Uncertain Significance.

Ambry Genetics
Classification: Uncertain significance for Hereditary cancer-predisposing syndrome. Last evaluated: 2025-05-15. Review status: criteria provided, single submitter. Criteria: Ambry Variant Classification Scheme 2023. Collection method: clinical testing. Allele origin: germline.
Comment: The p.P877A variant (also known as c.2629C>G), located in coding exon 10 of the BRCA2 gene, results from a C to G substitution at nucleotide position 2629. The proline at codon 877 is replaced by alanine, an amino acid with highly similar properties. This variant was previously reported in the SNPDatabase as rs80358524, but was absent from population-based cohorts in the NHLBI Exome Sequencing Project (ESP) and 1000 Genomes Project databases. To date, this alteration has been detected with an allele frequency of approximately 0.0004% (greater than 225000 alleles tested) in our clinical cohort. This amino acid position is not well conserved in available vertebrate species. In addition, this alteration is predicted to be tolerated by in silico analysis. Since supporting evidence is limited at this time, the clinical significance of this alteration remains unclear.

All of Us Research Program, National Institutes of Health
Classification: Uncertain significance for Breast-ovarian cancer, familial, susceptibility to, 2. Last evaluated: 2023-12-18. Review status: criteria provided, single submitter. Criteria: ACMG Guidelines, 2015. Collection method: clinical testing. Allele origin: germline. Inheritance: Autosomal dominant inheritance. Observed: 2 variant alleles, 2 heterozygotes.
Comment: This missense variant replaces proline with alanine at codon 877 of the BRCA2 protein. Computational prediction suggests that this variant may not impact protein structure and function (internally defined REVEL score threshold <= 0.5, PMID: 27666373). To our knowledge, functional studies have not been reported for this variant. This variant has not been reported in individuals affected with BRCA2-related disorders in the literature. This variant has not been identified in the general population by the Genome Aggregation Database (gnomAD). The available evidence is insufficient to determine the role of this variant in disease conclusively. Therefore, this variant is classified as a Variant of Uncertain Significance.

This study involves interpretation of variants in research participants for the purpose of population health screening. Participant phenotype was not available at the time of variant classification. Additional details can be found in publication PMID: 35346344, PMCID: PMC8962531

Color Diagnostics, LLC DBA Color Health
Classification: Uncertain significance for Hereditary cancer-predisposing syndrome. Last evaluated: 2023-06-07. Review status: criteria provided, single submitter. Criteria: ACMG Guidelines, 2015. Collection method: clinical testing. Allele origin: germline.
Comment: This missense variant replaces proline with alanine at codon 877 of the BRCA2 protein. Computational prediction suggests that this variant may not impact protein structure and function (internally defined REVEL score threshold <= 0.5, PMID: 27666373). To our knowledge, functional studies have not been reported for this variant. This variant has not been reported in individuals affected with BRCA2-related disorders in the literature. This variant has not been identified in the general population by the Genome Aggregation Database (gnomAD). The available evidence is insufficient to determine the role of this variant in disease conclusively. Therefore, this variant is classified as a Variant of Uncertain Significance.

University of Washington Department of Laboratory Medicine, University of Washington
Classification: Likely benign for Hereditary cancer-predisposing syndrome. Last evaluated: 2023-03-23. Review status: criteria provided, single submitter. Criteria: Dines et al. (Genet Med. 2020). Collection method: curation. Allele origin: germline.
Comment: Missense variant in a coldspot region where missense variants are very unlikely to be pathogenic (PMID:31911673).

BRCA2 exon 11 coldspot. Reclassification based on statistical prior probability.

Women's Health and Genetics/Laboratory Corporation of America, LabCorp
Classification: Uncertain significance. Last evaluated: 2018-12-13. Review status: criteria provided, single submitter. Criteria: LabCorp Variant Classification Summary - May 2015. Collection method: clinical testing. Allele origin: germline.
Comment: Variant summary: BRCA2 c.2629C>G (p.Pro877Ala) results in a non-conservative amino acid change in the encoded protein sequence. Four of five in-silico tools predict a benign effect of the variant on protein function. The variant was absent in 221836 control chromosomes (gnomAD). The available data on variant occurrences in the general population are insufficient to allow any conclusion about variant significance. To our knowledge, no occurrence of c.2629C>G in individuals affected with Hereditary Breast and Ovarian Cancer and no experimental evidence demonstrating its impact on protein function have been reported. Four ClinVar submissions from clinical diagnostic laboratories (evaluation after 2014) cite the variant as uncertain significance. Based on the evidence outlined above, the variant was classified as uncertain significance.

GeneDx
Classification: Uncertain significance. Last evaluated: 2018-04-16. Review status: criteria provided, single submitter. Criteria: GeneDx Variant Classification (06012015). Collection method: clinical testing. Allele origin: germline. Affected: yes.
Comment: This variant is denoted BRCA2 c.2629C>G at the cDNA level, p.Pro877Ala (P877A) at the protein level, and results in the change of a Proline to an Alanine (CCA>GCA). Using alternate nomenclature, this variant would be defined as BRCA2 2857C>G. This variant has not, to our knowledge, been published in the literature as pathogenic or benign. BRCA2 Pro877Ala was not observed in large population cohorts (Lek 2016). This variant is not located in a known functional domain. In silico analysis, which includes protein predictors and evolutionary conservation, supports a deleterious effect. Based on currently available evidence, it is unclear whether BRCA2 Pro877Ala is a pathogenic or benign variant. We consider it to be a variant of uncertain significance.

Counsyl
Classification: Uncertain significance for Breast-ovarian cancer, familial, susceptibility to, 2. Last evaluated: 2017-12-29. Review status: no assertion criteria provided. Collection method: clinical testing. Allele origin: unknown. Not counted in ClinVar's aggregate classification.

Breast Cancer Information Core (BIC) (BRCA2)
Classification: Uncertain significance for Breast-ovarian cancer, familial 2. Last evaluated: 2003-12-23. Review status: no assertion criteria provided. Collection method: clinical testing. Allele origin: germline. Affected: yes. Observed: 1 variant allele. Not counted in ClinVar's aggregate classification.

NM_000059.4(BRCA2):c.2629C>G (p.Pro877Ala)

Gene: BRCA2 (BRCA2 DNA repair associated; plus strand). Cytogenetic location: 13q13.1.
Variant type: single nucleotide variant.
Coding change: c.2629C>G on transcript NM_000059.4 (MANE Select); coding-DNA position 2629, C replaced by G.
Protein change: p.Pro877Ala; replaces proline 877 with alanine.
Molecular consequence: missense variant.
Genome position (GRCh38, 1-based): chr13:32,336,984, C>G. VCF-style: chr13-32336984-C-G. GRCh37 (hg19) VCF-style: chr13-32911121-C-G.
Other names: short protein forms P877A.
Identifiers: ClinVar variation 125989 (VCV000125989.27), dbSNP rs80358524, ClinGen allele CA015892.
Genomic context (GRCh38, chr13:32,336,984, plus strand): 5'-CTAAGAGTAATCCAAAAAAATCAAGAAGAAACTACTTCAATTTCAAAAATAACTGTCAAT[C>G]CAGACTCTGAAGAACTTTTCTCAGACAATGAGAATAATTTTGTCTTCCAAGTAGCTAATG-3'
Protein context (NP_000050.3, residues 867-887): TTSISKITVN[Pro877Ala]DSEELFSDNE